The following is an entry in ClinVar:

ClinVar aggregate classification (germline): Uncertain significance (1 of 4 stars; one submission).

Conditions:
Supravalvar aortic stenosis (SVAS). Also called: Supravalvar aortic stenosis, Eisenberg type. Identifiers: Orphanet 3193, MedGen C0003499, MONDO:0008504, OMIM 185500, HP:0004381.

gnomAD v4.1: 2 of 1,613,444 alleles (0.00012%); highest among the groups gnomAD compares: Non-Finnish European, 0.00017%; no homozygotes.

Submission:

Labcorp Genetics (formerly Invitae), Labcorp
Classification: Uncertain significance for Supravalvar aortic stenosis. Last evaluated: 2025-04-08. Review status: criteria provided, single submitter. Criteria: Invitae Variant Classification Sherloc (09022015). Collection method: clinical testing. Allele origin: germline.
Comment: This sequence change replaces alanine, which is neutral and non-polar, with valine, which is neutral and non-polar, at codon 81 of the ELN protein (p.Ala81Val). This variant is present in population databases (no rsID available, gnomAD 0.006%). This variant has not been reported in the literature in individuals affected with ELN-related conditions. ClinVar contains an entry for this variant (Variation ID: 3715450). Invitae Evidence Modeling of protein sequence and biophysical properties (such as structural, functional, and spatial information, amino acid conservation, physicochemical variation, residue mobility, and thermodynamic stability) indicates that this missense variant is not expected to disrupt ELN protein function with a negative predictive value of 80%. In summary, the available evidence is currently insufficient to determine the role of this variant in disease. Therefore, it has been classified as a Variant of Uncertain Significance.

NM_000501.4(ELN):c.242C>T (p.Ala81Val)

Gene: ELN (elastin; plus strand). Cytogenetic location: 7q11.23.
Variant type: single nucleotide variant.
Coding change: c.242C>T on transcript NM_000501.4 (MANE Select); coding-DNA position 242, C replaced by T.
Protein change: p.Ala81Val; replaces alanine 81 with valine.
Molecular consequence: missense variant.
Genome position (GRCh38, 1-based): chr7:74,042,623, C>T. VCF-style: chr7-74042623-C-T. GRCh37 (hg19) VCF-style: chr7-73456953-C-T.
Other names: c.212C>T, p.Ala71Val (NM_001081752.3, NM_001278914.2, NM_001278917.2 and 1 more transcripts); c.242C>T, p.Ala81Val (NM_001081753.3, NM_001081754.3, NM_001081755.3 and 4 more transcripts); c.206C>T, p.Ala69Val (NM_001278913.2); short protein forms A69V, A81V, A71V.
Identifiers: ClinVar variation 3715450 (VCV003715450.2).